The following is an entry in ClinVar:

NM_006218.4(PIK3CA):c.361A>C (p.Ile121Leu)

Gene: PIK3CA (phosphatidylinositol-4,5-bisphosphate 3-kinase catalytic subunit alpha; plus strand). Cytogenetic location: 3q26.32.
Variant type: single nucleotide variant.
Coding change: c.361A>C on transcript NM_006218.4 (MANE Select); coding-DNA position 361, A replaced by C.
Protein change: p.Ile121Leu; replaces isoleucine 121 with leucine.
Molecular consequence: missense variant.
Genome position (GRCh38, 1-based): chr3:179,199,698, A>C. VCF-style: chr3-179199698-A-C. GRCh37 (hg19) VCF-style: chr3-178917486-A-C.
Other names: short protein forms I121L.
Identifiers: ClinVar variation 2497880 (VCV002497880.1), dbSNP rs371727887, ClinGen allele CA355272846.

ClinVar aggregate classification (germline): Uncertain significance (1 of 4 stars; one submission).

Submission:

GeneDx
Classification: Uncertain significance. Last evaluated: 2022-10-04. Review status: criteria provided, single submitter. Criteria: GeneDx Variant Classification Process June 2021. Collection method: clinical testing. Allele origin: germline. Affected: yes.
Comment: Not observed at significant frequency in large population cohorts (gnomAD); In silico analysis supports that this missense variant does not alter protein structure/function; Has not been previously published as pathogenic or benign to our knowledge